The following is an entry in ClinVar:

NM_001200.4(BMP2):c.895C>A (p.His299Asn)

Gene: BMP2 (bone morphogenetic protein 2; plus strand). Cytogenetic location: 20p12.3.
Variant type: single nucleotide variant.
Coding change: c.895C>A on transcript NM_001200.4 (MANE Select); coding-DNA position 895, C replaced by A.
Protein change: p.His299Asn; replaces histidine 299 with asparagine.
Molecular consequence: missense variant.
Genome position (GRCh38, 1-based): chr20:6,778,793, C>A. VCF-style: chr20-6778793-C-A. GRCh37 (hg19) VCF-style: chr20-6759440-C-A.
Other names: short protein forms H299N.
Identifiers: ClinVar variation 2041336 (VCV002041336.4), dbSNP rs1986560009, ClinGen allele CA408259351.
Genomic context (GRCh38, chr20:6,778,793, plus strand): 5'-AGAGAAAAACGTCAAGCCAAACACAAACAGCGGAAACGCCTTAAGTCCAGCTGTAAGAGA[C>A]ACCCTTTGTACGTGGACTTCAGTGACGTGGGGTGGAATGACTGGATTGTGGCTCCCCCGG-3'
Protein context (NP_001191.1, residues 289-309): RKRLKSSCKR[His299Asn]PLYVDFSDVG

ClinVar aggregate classification (germline): Uncertain significance (1 of 4 stars; one submission).

Allele frequency attached by ClinVar (database versions not stated): TOPMed below 0.00001; gnomAD 0.00001.
gnomAD v4.1: 3 of 1,614,092 alleles (0.00019%); highest among the groups gnomAD compares: African/African-American, 0.0027%; no homozygotes.

Submission:

Labcorp Genetics (formerly Invitae), Labcorp
Classification: Uncertain significance. Last evaluated: 2023-11-24. Review status: criteria provided, single submitter. Criteria: Invitae Variant Classification Sherloc (09022015). Collection method: clinical testing. Allele origin: germline.
Comment: This sequence change replaces histidine, which is basic and polar, with asparagine, which is neutral and polar, at codon 299 of the BMP2 protein (p.His299Asn). This variant is not present in population databases (gnomAD no frequency). This variant has not been reported in the literature in individuals affected with BMP2-related conditions. ClinVar contains an entry for this variant (Variation ID: 2041336). An algorithm developed to predict the effect of missense changes on protein structure and function (PolyPhen-2) suggests that this variant is likely to be tolerated. In summary, the available evidence is currently insufficient to determine the role of this variant in disease. Therefore, it has been classified as a Variant of Uncertain Significance.